The following is an entry in ClinVar:

ClinVar aggregate classification (germline): Uncertain significance (1 of 4 stars; one submission).

Conditions:
Long QT syndrome (LQTS). Identifiers: MedGen C0023976, MeSH D008133, MONDO:0002442. Disease mechanism: loss of function. Inheritance: Various modes of inheritance.

Allele frequency attached by ClinVar (database versions not stated): gnomAD 0.00001; TOPMed 0.00002.
gnomAD v4.1: 10 of 1,576,876 alleles (0.00063%); highest among the groups gnomAD compares: South Asian, 0.0023%; no homozygotes.

Submission:

Labcorp Genetics (formerly Invitae), Labcorp
Classification: Uncertain significance for Long QT syndrome. Last evaluated: 2024-12-15. Review status: criteria provided, single submitter. Criteria: Invitae Variant Classification Sherloc (09022015). Collection method: clinical testing. Allele origin: germline.
Comment: This sequence change replaces arginine, which is basic and polar, with histidine, which is basic and polar, at codon 2243 of the AKAP9 protein (p.Arg2243His). This variant is not present in population databases (gnomAD no frequency). This variant has not been reported in the literature in individuals affected with AKAP9-related conditions. ClinVar contains an entry for this variant (Variation ID: 1477831). An algorithm developed to predict the effect of missense changes on protein structure and function outputs the following: PolyPhen-2: "Benign". The histidine amino acid residue is found in multiple mammalian species, which suggests that this missense change does not adversely affect protein function. In summary, the available evidence is currently insufficient to determine the role of this variant in disease. Therefore, it has been classified as a Variant of Uncertain Significance.

NM_005751.5(AKAP9):c.6728G>A (p.Arg2243His)

Gene: AKAP9 (A-kinase anchoring protein 9; plus strand). Cytogenetic location: 7q21.2.
Variant type: single nucleotide variant.
Coding change: c.6728G>A on transcript NM_005751.5 (MANE Select); coding-DNA position 6728, G replaced by A.
Protein change: p.Arg2243His; replaces arginine 2243 with histidine.
Molecular consequence: missense variant.
Genome position (GRCh38, 1-based): chr7:92,076,970, G>A. VCF-style: chr7-92076970-G-A. GRCh37 (hg19) VCF-style: chr7-91706284-G-A.
Other names: c.1373G>A, p.Arg458His (NM_001379277.1); c.6704G>A, p.Arg2235His (NM_147185.3); short protein forms R458H, R2243H, R2235H.
Identifiers: ClinVar variation 1477831 (VCV001477831.6), dbSNP rs926540370, ClinGen allele CA161884061.